The following is an entry in ClinVar:

NM_003924.4(PHOX2B):c.875C>T (p.Ala292Val)

Gene: PHOX2B (paired like homeobox 2B; minus strand). Cytogenetic location: 4p13.
Variant type: single nucleotide variant.
Coding change: c.875C>T on transcript NM_003924.4 (MANE Select); coding-DNA position 875, C replaced by T.
Protein change: p.Ala292Val; replaces alanine 292 with valine.
Molecular consequence: missense variant.
Genome position (GRCh38, 1-based): chr4:41,745,877, G>A on the plus strand (C>T on the coding strand, the complement: PHOX2B is on the minus strand). VCF-style: chr4-41745877-G-A. GRCh37 (hg19) VCF-style: chr4-41747894-G-A.
Other names: c.875C>T (NM_003924.3); short protein forms A292V.
Identifiers: ClinVar variation 1469328 (VCV001469328.7), dbSNP rs2153112734, ClinGen allele CA356736895.

ClinVar aggregate classification (germline): Uncertain significance. Review status: criteria provided, multiple submitters, no conflicts (2 of 4 stars). 2 submissions from 2 submitters: Uncertain significance (2). Last evaluated 2025-03-24.

Conditions:
Hereditary cancer-predisposing syndrome. Also called: Tumor predisposition; Hereditary Cancer Syndrome; Hereditary neoplastic syndrome; Neoplastic Syndromes, Hereditary. Identifiers: Orphanet 140162, MedGen C0027672, MeSH D009386, MONDO:0015356.
Haddad syndrome (OHD). Also called: Ondine-Hirschsprung disease. Identifiers: Orphanet 99803, MedGen C1859049, MONDO:0020493.

Submissions (2):

Ambry Genetics
Classification: Uncertain significance for Hereditary cancer-predisposing syndrome. Last evaluated: 2025-03-24. Review status: criteria provided, single submitter. Criteria: Ambry Variant Classification Scheme 2023. Collection method: clinical testing. Allele origin: germline.
Comment: The p.A292V variant (also known as c.875C>T), located in coding exon 3 of the PHOX2B gene, results from a C to T substitution at nucleotide position 875. The alanine at codon 292 is replaced by valine, an amino acid with similar properties. This amino acid position is conserved. In addition, the in silico prediction for this alteration is inconclusive. Based on the available evidence, the clinical significance of this variant remains unclear.

Labcorp Genetics (formerly Invitae), Labcorp
Classification: Uncertain significance for Haddad syndrome. Last evaluated: 2022-04-10. Review status: criteria provided, single submitter. Criteria: Invitae Variant Classification Sherloc (09022015). Collection method: clinical testing. Allele origin: germline.
Comment: In summary, the available evidence is currently insufficient to determine the role of this variant in disease. Therefore, it has been classified as a Variant of Uncertain Significance. Algorithms developed to predict the effect of missense changes on protein structure and function are either unavailable or do not agree on the potential impact of this missense change (SIFT: "Deleterious"; PolyPhen-2: "Not Available"; Align-GVGD: "Class C0"). This variant has not been reported in the literature in individuals affected with PHOX2B-related conditions. This variant is not present in population databases (gnomAD no frequency). This sequence change replaces alanine, which is neutral and non-polar, with valine, which is neutral and non-polar, at codon 292 of the PHOX2B protein (p.Ala292Val).